The following is an entry in ClinVar:

NM_001235.5(SERPINH1):c.*525C>A

Gene: SERPINH1 (serpin family H member 1; plus strand). Cytogenetic location: 11q13.5.
Variant type: single nucleotide variant.
Coding change: c.*525C>A on transcript NM_001235.5 (MANE Select); 525 bases downstream of the stop codon, C replaced by A.
Molecular consequence: 3 prime UTR variant.
Genome position (GRCh38, 1-based): chr11:75,572,608, C>A. VCF-style: chr11-75572608-C-A. GRCh37 (hg19) VCF-style: chr11-75283653-C-A.
Other names: c.*525C>A (NM_001207014.3).
Identifiers: ClinVar variation 306121 (VCV000306121.6), dbSNP rs6704, ClinGen allele CA10631544.

ClinVar aggregate classification (germline): Benign. Review status: criteria provided, multiple submitters, no conflicts (2 of 4 stars). 2 submissions from 2 submitters: Benign (2). Last evaluated 2018-01-13.

Conditions:
Osteogenesis imperfecta type 10 (OI10). Also called: OI, TYPE X. Identifiers: Orphanet 666, MedGen C3151211, MONDO:0013459, OMIM 613848.

Allele frequency attached by ClinVar (database versions not stated): gnomAD exomes 0.29571; TOPMed 0.32139; gnomAD 0.32671 and 0.33025; 1000 Genomes Project 30x 0.33666; 1000 Genomes Project 0.33686.
gnomAD v4.1: 57,501 of 176,754 alleles (33%); highest among the groups gnomAD compares: South Asian, 47%; 9,686 homozygotes.

Submissions (2):

Illumina Laboratory Services, Illumina
Classification: Benign for Osteogenesis imperfecta type 10. Last evaluated: 2018-01-13. Review status: criteria provided, single submitter. Criteria: ICSL Variant Classification Criteria 13 December 2019. Collection method: clinical testing. Allele origin: germline.
Comment: This variant was observed in the ICSL laboratory as part of a predisposition screen in an ostensibly healthy population. It had not been previously curated by ICSL or reported in the Human Gene Mutation Database (HGMD: prior to June 1st, 2018), and was therefore a candidate for classification through an automated scoring system. Utilizing variant allele frequency, disease prevalence and penetrance estimates, and inheritance mode, an automated score was calculated to assess if this variant is too frequent to cause the disease. Based on the score and internal cut-off values, a variant classified as benign is not then subjected to further curation. The score for this variant resulted in a classification of benign for this disease.

Breakthrough Genomics
Classification: Benign. Review status: criteria provided, single submitter. Criteria: ACMG Guidelines, 2015. Collection method: not provided. Allele origin: germline. Inheritance: Multifactorial inheritance. Affected: yes.